The following is an entry in ClinVar:

NM_001349338.3(FOXP1):c.1240del (p.Pro413_Leu414insTer)

Gene: FOXP1 (forkhead box P1; minus strand). Cytogenetic location: 3p13.
Variant type: Deletion.
Coding change: c.1240del on transcript NM_001349338.3 (MANE Select); coding-DNA position 1240, one base deleted (C; older notation c.1240delC).
Protein change: p.Pro413_Leu414insTer.
Molecular consequence: nonsense. On other transcripts: non-coding transcript variant (2).
Genome position (GRCh38, 1-based): chr3:70,977,936, G deleted on the plus strand (C on the coding strand, the reverse complement: FOXP1 is on the minus strand); the first of 6 consecutive G bases (chr3:70,977,936-70,977,941); deleting any one gives the same sequence. VCF-style (leftmost placement, unchanged base first): chr3-70977935-AG-A. GRCh37 (hg19) VCF-style: chr3-71027086-AG-A.
Other names: c.1240del, p.Pro413_Leu414insTer (NM_001244808.3, NM_001244810.2, NM_001244814.3 and 3 more transcripts); c.1012del, p.Pro337_Leu338insTer (NM_001244812.3); c.940del, p.Pro313_Leu314insTer (NM_001244813.3, NM_001244815.2, NM_001349342.3 and 1 more transcripts); c.937del, p.Pro312_Leu313insTer (NM_001349337.2, NM_001349343.3, NM_001349344.3); c.1237del, p.Pro412_Leu413insTer (NM_001349341.3).
Identifiers: ClinVar variation 3764323 (VCV003764323.1).

ClinVar aggregate classification (germline): Pathogenic (1 of 4 stars; one submission).

Submission:

GeneDx
Classification: Pathogenic. Last evaluated: 2024-08-20. Review status: criteria provided, single submitter. Criteria: GeneDx Variant Classification Process June 2021. Collection method: clinical testing. Allele origin: germline. Affected: yes.
Comment: Reported in a patient with FOXP1-related clinical features in published literature (PMID: 31526516, 29090079); Nonsense variant predicted to result in protein truncation or nonsense mediated decay in a gene for which loss of function is a known mechanism of disease; Not observed at significant frequency in large population cohorts (gnomAD); This variant is associated with the following publications: (PMID: 31526516, 29090079)